The following is an entry in ClinVar:

ClinVar aggregate classification (germline): Uncertain significance. Review status: criteria provided, multiple submitters, no conflicts (2 of 4 stars). 2 submissions from 2 submitters: Uncertain significance (2). Last evaluated 2024-10-17.

Conditions:
Bartter disease type 4A. Also called: BARTTER SYNDROME, TYPE 4A, NEONATAL, WITH SENSORINEURAL DEAFNESS; BARTTER SYNDROME, NEONATAL, WITH SENSORINEURAL DEAFNESS. Identifiers: Orphanet 112, MedGen C1865270, MONDO:0011242, OMIM 602522.

Allele frequency attached by ClinVar (database versions not stated): gnomAD below 0.00001 and 0.00001; gnomAD exomes 0.00004 and 0.00006; ExAC 0.00007.
gnomAD v4.1: 57 of 1,614,034 alleles (0.0035%); highest among the groups gnomAD compares: South Asian, 0.063%; 1 homozygote.

Submissions (2):

Labcorp Genetics (formerly Invitae), Labcorp
Classification: Uncertain significance. Last evaluated: 2024-10-17. Review status: criteria provided, single submitter. Criteria: Invitae Variant Classification Sherloc (09022015). Collection method: clinical testing. Allele origin: germline.
Comment: This sequence change replaces leucine, which is neutral and non-polar, with valine, which is neutral and non-polar, at codon 18 of the BSND protein (p.Leu18Val). This variant is present in population databases (rs754403589, gnomAD 0.05%). This missense change has been observed in individual(s) with deafness (PMID: 32681043). ClinVar contains an entry for this variant (Variation ID: 634810). Invitae Evidence Modeling of protein sequence and biophysical properties (such as structural, functional, and spatial information, amino acid conservation, physicochemical variation, residue mobility, and thermodynamic stability) indicates that this missense variant is expected to disrupt BSND protein function with a positive predictive value of 80%. In summary, the available evidence is currently insufficient to determine the role of this variant in disease. Therefore, it has been classified as a Variant of Uncertain Significance.

Baylor-Hopkins Center for Mendelian Genomics, Johns Hopkins University School of Medicine
Classification: Uncertain significance for Bartter disease type 4A. Review status: criteria provided, single submitter. Criteria: ACMG Guidelines, 2015. Collection method: research. Allele origin: unknown. Affected: yes. Observed: 1 variant allele, 1 homozygote.

Literature cited by the submitters: PubMed 32681043 (cited by Labcorp Genetics (formerly Invitae), Labcorp).

NM_057176.3(BSND):c.52C>G (p.Leu18Val)

Gene: BSND (barttin CLCNK type accessory subunit beta; plus strand). Cytogenetic location: 1p32.3.
Variant type: single nucleotide variant.
Coding change: c.52C>G on transcript NM_057176.3 (MANE Select); coding-DNA position 52, C replaced by G.
Protein change: p.Leu18Val; replaces leucine 18 with valine.
Molecular consequence: missense variant.
Genome position (GRCh38, 1-based): chr1:54,999,238, C>G. VCF-style: chr1-54999238-C-G. GRCh37 (hg19) VCF-style: chr1-55464911-C-G.
Other names: short protein forms L18V.
Identifiers: ClinVar variation 634810 (VCV000634810.5), dbSNP rs754403589, ClinGen allele CA871198.
Genomic context (GRCh38, chr1:54,999,238, plus strand): 5'-CAGGCAGCCATGGCTGACGAGAAGACCTTCCGGATCGGCTTCATTGTGCTGGGGCTTTTC[C>G]TGCTGGCCCTCGGTACGTTCCTCATGAGCCATGATCGGCCCCAGGTCTACGGCACCTTCT-3'
Protein context (NP_476517.1, residues 8-28): RIGFIVLGLF[Leu18Val]LALGTFLMSH